The following is an entry in ClinVar:

NM_015375.3(DSTYK):c.103C>T (p.Arg35Cys)

Gene: DSTYK (dual serine/threonine and tyrosine protein kinase; minus strand). Cytogenetic location: 1q32.1.
Variant type: single nucleotide variant.
Coding change: c.103C>T on transcript NM_015375.3 (MANE Select); coding-DNA position 103, C replaced by T.
Protein change: p.Arg35Cys; replaces arginine 35 with cysteine.
Molecular consequence: missense variant.
Genome position (GRCh38, 1-based): chr1:205,211,433, G>A on the plus strand (C>T on the coding strand, the complement: DSTYK is on the minus strand). VCF-style: chr1-205211433-G-A. GRCh37 (hg19) VCF-style: chr1-205180561-G-A.
Other names: c.103C>T, p.Arg35Cys (NM_199462.3); short protein forms R35C.
Identifiers: ClinVar variation 2639849 (VCV002639849.24), dbSNP rs1431767340, ClinGen allele CA344403757.

ClinVar aggregate classification (germline): Uncertain significance (1 of 4 stars; one submission).

Allele frequency attached by ClinVar (database versions not stated): gnomAD exomes below 0.00001.
gnomAD v4.1: 1 of 1,605,696 alleles (0.000062%); highest among the groups gnomAD compares: African/African-American, 0.0013%; no homozygotes.

Submission:

CeGaT Center for Human Genetics Tuebingen
Classification: Uncertain significance. Last evaluated: 2023-05-01. Review status: criteria provided, single submitter. Criteria: CeGaT Center For Human Genetics Tuebingen Variant Classification Criteria Version 2. Collection method: clinical testing. Allele origin: germline. Affected: yes. Observed: 1 variant allele.
Comment: DSTYK: PM2